The following is an entry in ClinVar:

ClinVar aggregate classification (germline): Uncertain significance (1 of 4 stars; one submission).

Conditions:
Hereditary cancer-predisposing syndrome. Also called: Hereditary Cancer Syndrome; Neoplastic Syndromes, Hereditary; Tumor predisposition; Hereditary neoplastic syndrome. Identifiers: Orphanet 140162, MedGen C0027672, MeSH D009386, MONDO:0015356.

Submission:

Ambry Genetics
Classification: Uncertain significance for Hereditary cancer-predisposing syndrome. Last evaluated: 2017-01-20. Review status: criteria provided, single submitter. Criteria: Ambry Variant Classification Scheme 2023. Collection method: clinical testing. Allele origin: germline.
Comment: The p.D577N variant (also known as c.1729G>A), located in coding exon 11 of the NBN gene, results from a G to A substitution at nucleotide position 1729. The aspartic acid at codon 577 is replaced by asparagine, an amino acid with highly similar properties. This amino acid position is poorly conserved in available vertebrate species. In addition, this alteration is predicted to be tolerated by in silico analysis. Since supporting evidence is limited at this time, the clinical significance of this alteration remains unclear.

NM_002485.5(NBN):c.1729G>A (p.Asp577Asn)

Gene: NBN (nibrin; minus strand). Cytogenetic location: 8q21.3.
Variant type: single nucleotide variant.
Coding change: c.1729G>A on transcript NM_002485.5 (MANE Select); coding-DNA position 1729, G replaced by A.
Protein change: p.Asp577Asn; replaces aspartic acid 577 with asparagine.
Molecular consequence: missense variant.
Genome position (GRCh38, 1-based): chr8:89,953,360, C>T on the plus strand (G>A on the coding strand, the complement: NBN is on the minus strand). VCF-style: chr8-89953360-C-T. GRCh37 (hg19) VCF-style: chr8-90965588-C-T.
Other names: c.1483G>A, p.Asp495Asn (NM_001024688.3); short protein forms D577N, D495N.
Identifiers: ClinVar variation 480059 (VCV000480059.5), dbSNP rs587781881, ClinGen allele CA371655225.
Genomic context (GRCh38, chr8:89,953,360, plus strand): 5'-TATCCATCCTTGGCCTTTTTCTAACATTGACATCTTCCTCCTGTTTTTGAACTTTCACAT[C>T]AATTTCTAACTCTGGTTTTGTGTCCTTGAATAACTGTTCCAATACTTCATCTTCTATGGC-3'
Protein context (NP_002476.2, residues 567-587): FKDTKPELEI[Asp577Asn]VKVQKQEEDV